The following is an entry in ClinVar:

ClinVar aggregate classification (germline): Benign. Review status: criteria provided, multiple submitters, no conflicts (2 of 4 stars). 2 submissions from 2 submitters: Benign (2). Last evaluated 2018-06-14.

Allele frequency attached by ClinVar (database versions not stated): TOPMed 0.48775; 1000 Genomes Project 30x 0.49578; 1000 Genomes Project 0.50319; gnomAD 0.50602 and 0.51281.
gnomAD v4.1: 481,196 of 796,874 alleles (60%); highest among the groups gnomAD compares: East Asian, 77%; 154,129 homozygotes.

Submissions (2):

GeneDx
Classification: Benign. Last evaluated: 2018-06-14. Review status: criteria provided, single submitter. Criteria: GeneDx Variant Classification (06012015). Collection method: clinical testing. Allele origin: germline. Affected: yes.
Comment: This variant is considered likely benign or benign based on one or more of the following criteria: it is a conservative change, it occurs at a poorly conserved position in the protein, it is predicted to be benign by multiple in silico algorithms, and/or has population frequency not consistent with disease.

Breakthrough Genomics
Classification: Benign. Review status: criteria provided, single submitter. Criteria: ACMG Guidelines, 2015. Collection method: not provided. Allele origin: germline. Inheritance: Autosomal recessive inheritance. Affected: yes.

NM_015340.4(LARS2):c.1239+97G>A

Genes: LARS2 (leucyl-tRNA synthetase 2, mitochondrial; plus strand), LARS2-AS1 (LARS2 antisense RNA 1; minus strand). Cytogenetic location: 3p21.31.
Variant type: single nucleotide variant.
Coding change: c.1239+97G>A on transcript NM_015340.4 (MANE Select); 97 bases into the intron after coding-DNA position 1239, G replaced by A.
Molecular consequence: intron variant.
Genome position (GRCh38, 1-based): chr3:45,488,909, G>A. VCF-style: chr3-45488909-G-A. GRCh37 (hg19) VCF-style: chr3-45530401-G-A.
Other names: c.1239+97G>A (NM_001368263.1).
Identifiers: ClinVar variation 676143 (VCV000676143.2), dbSNP rs3733116, ClinGen allele CA11550831.